The following is an entry in ClinVar:

NM_024408.4(NOTCH2):c.5189T>C (p.Val1730Ala)

Gene: NOTCH2 (notch receptor 2; minus strand). Cytogenetic location: 1p12.
Variant type: single nucleotide variant.
Coding change: c.5189T>C on transcript NM_024408.4 (MANE Select); coding-DNA position 5189, T replaced by C.
Protein change: p.Val1730Ala; replaces valine 1730 with alanine.
Molecular consequence: missense variant.
Genome position (GRCh38, 1-based): chr1:119,922,260, A>G on the plus strand (T>C on the coding strand, the complement: NOTCH2 is on the minus strand). VCF-style: chr1-119922260-A-G. GRCh37 (hg19) VCF-style: chr1-120464883-A-G.
Other names: short protein forms V1730A.
Identifiers: ClinVar variation 4540071 (VCV004540071.1).

ClinVar aggregate classification (germline): Uncertain significance (1 of 4 stars; one submission).

Submission:

GeneDx
Classification: Uncertain significance. Last evaluated: 2025-06-23. Review status: criteria provided, single submitter. Criteria: GeneDx Variant Classification Process June 2021. Collection method: clinical testing. Allele origin: germline. Affected: yes.
Comment: Not observed at significant frequency in large population cohorts (gnomAD); In silico analysis suggests that this missense variant does not alter protein structure/function; Has not been previously published as pathogenic or benign to our knowledge